The following is an entry in ClinVar:

NM_001005373.4(LRSAM1):c.231C>T (p.Leu77=)

Gene: LRSAM1 (leucine rich repeat and sterile alpha motif containing 1; plus strand). Cytogenetic location: 9q33.3.
Variant type: single nucleotide variant.
Coding change: c.231C>T on transcript NM_001005373.4 (MANE Select); coding-DNA position 231, C replaced by T.
Protein change: p.Leu77=; no amino-acid change (leucine 77 retained).
Molecular consequence: synonymous variant. On other transcripts: 5 prime UTR variant (1), non-coding transcript variant (2).
Genome position (GRCh38, 1-based): chr9:127,457,372, C>T. VCF-style: chr9-127457372-C-T. GRCh37 (hg19) VCF-style: chr9-130219651-C-T.
Other names: c.231C>T, p.Leu77= (NM_001005374.4, NM_001190723.3, NM_001384142.1 and 2 more transcripts); c.-554C>T (NM_001384144.1).
Identifiers: ClinVar variation 698980 (VCV000698980.12), dbSNP rs149769300, ClinGen allele CA5246447.

ClinVar aggregate classification (germline): Likely benign. Review status: criteria provided, multiple submitters, no conflicts (2 of 4 stars). 3 submissions from 3 submitters: Likely benign (2). 1 of the submissions does not count toward it. Last evaluated 2024-09-17.

Conditions:
LRSAM1-related disorder. Also called: LRSAM1-related condition.
Charcot-Marie-Tooth disease axonal type 2P. Also called: CHARCOT-MARIE-TOOTH NEUROPATHY, TYPE 2P; CHARCOT-MARIE-TOOTH DISEASE, AXONAL, TYPE 2G; CMT 2G; Charcot-Marie-Tooth Neuropathy Type 2G. Identifiers: Orphanet 300319, Orphanet 99941, MedGen C3280797, MONDO:0013753, OMIM 614436.

Allele frequency attached by ClinVar (database versions not stated): ExAC 0.00003; gnomAD 0.00004 and 0.00005; gnomAD exomes 0.00005; TOPMed 0.00010; ESP Exome Variant Server 0.00015.
gnomAD v4.1: 41 of 1,614,140 alleles (0.0025%); highest among the groups gnomAD compares: Admixed American, 0.0067%; no homozygotes.

Submissions (3):

Labcorp Genetics (formerly Invitae), Labcorp
Classification: Likely benign for Charcot-Marie-Tooth disease axonal type 2P. Last evaluated: 2024-09-17. Review status: criteria provided, single submitter. Criteria: Invitae Variant Classification Sherloc (09022015). Collection method: clinical testing. Allele origin: germline.

Blueprint Genetics
Classification: Likely benign. Last evaluated: 2024-03-25. Review status: criteria provided, single submitter. Criteria: ACMG Guidelines, 2015. Collection method: clinical testing. Allele origin: germline.

PreventionGenetics, part of Exact Sciences
Classification: Likely benign for LRSAM1-related condition. Last evaluated: 2022-07-06. Review status: no assertion criteria provided. Collection method: clinical testing. Allele origin: germline. Not counted in ClinVar's aggregate classification.
Comment: This variant is classified as likely benign based on ACMG/AMP sequence variant interpretation guidelines (Richards et al. 2015 PMID: 25741868, with internal and published modifications).